The following is an entry in ClinVar:

ClinVar aggregate classification (germline): Uncertain significance (1 of 4 stars; one submission).

Conditions:
Spastic paraplegia. Identifiers: MedGen C0037772, HP:0001258.

Submission:

Labcorp Genetics (formerly Invitae), Labcorp
Classification: Uncertain significance for Spastic paraplegia. Last evaluated: 2023-12-14. Review status: criteria provided, single submitter. Criteria: Invitae Variant Classification Sherloc (09022015). Collection method: clinical testing. Allele origin: germline.
Comment: This sequence change replaces proline, which is neutral and non-polar, with serine, which is neutral and polar, at codon 746 of the L1CAM protein (p.Pro746Ser). This variant is not present in population databases (gnomAD no frequency). This variant has not been reported in the literature in individuals affected with L1CAM-related conditions. Advanced modeling of protein sequence and biophysical properties (such as structural, functional, and spatial information, amino acid conservation, physicochemical variation, residue mobility, and thermodynamic stability) has been performed at Invitae for this missense variant, however the output from this modeling did not meet the statistical confidence thresholds required to predict the impact of this variant on L1CAM protein function. In summary, the available evidence is currently insufficient to determine the role of this variant in disease. Therefore, it has been classified as a Variant of Uncertain Significance.

NM_001278116.2(L1CAM):c.2236C>T (p.Pro746Ser)

Gene: L1CAM (L1 cell adhesion molecule; minus strand). Cytogenetic location: Xq28.
Variant type: single nucleotide variant.
Coding change: c.2236C>T on transcript NM_001278116.2 (MANE Select); coding-DNA position 2236, C replaced by T.
Protein change: p.Pro746Ser; replaces proline 746 with serine.
Molecular consequence: missense variant.
Genome position (GRCh38, 1-based): chrX:153,866,844, G>A on the plus strand (C>T on the coding strand, the complement: L1CAM is on the minus strand). VCF-style: chrX-153866844-G-A. GRCh37 (hg19) VCF-style: chrX-153132299-G-A.
Other names: c.2236C>T, p.Pro746Ser (NM_000425.5, NM_024003.3); c.2221C>T, p.Pro741Ser (NM_001143963.2); short protein forms P741S, P746S.
Identifiers: ClinVar variation 2749090 (VCV002749090.3), dbSNP rs2520986118, ClinGen allele CA415120771.